The following is an entry in ClinVar:

NM_013432.5(TONSL):c.1235C>T (p.Pro412Leu)

Gene: TONSL (tonsoku like, DNA repair protein; minus strand). Cytogenetic location: 8q24.3.
Variant type: single nucleotide variant.
Coding change: c.1235C>T on transcript NM_013432.5 (MANE Select); coding-DNA position 1235, C replaced by T.
Protein change: p.Pro412Leu; replaces proline 412 with leucine.
Molecular consequence: missense variant.
Genome position (GRCh38, 1-based): chr8:144,440,406, G>A on the plus strand (C>T on the coding strand, the complement: TONSL is on the minus strand). VCF-style: chr8-144440406-G-A. GRCh37 (hg19) VCF-style: chr8-145665789-G-A.
Other names: c.1235C>T (NM_013432.4); short protein forms P412L.
Identifiers: ClinVar variation 1522529 (VCV001522529.4), dbSNP rs777939614, ClinGen allele CA4943324.

ClinVar aggregate classification (germline): Uncertain significance. Review status: criteria provided, multiple submitters, no conflicts (2 of 4 stars). 2 submissions from 2 submitters: Uncertain significance (2). Last evaluated 2025-09-10.

Conditions:
Inborn genetic diseases. Identifiers: MedGen C0950123, MeSH D030342.

Allele frequency attached by ClinVar (database versions not stated): gnomAD 0.00001; gnomAD exomes 0.00001 and 0.00002; ExAC 0.00002; TOPMed 0.00002.
gnomAD v4.1: 24 of 1,607,956 alleles (0.0015%); highest among the groups gnomAD compares: Middle Eastern, 0.05%; no homozygotes.

Submissions (2):

Ambry Genetics
Classification: Uncertain significance for Inborn genetic diseases. Last evaluated: 2025-09-10. Review status: criteria provided, single submitter. Criteria: Ambry Variant Classification Scheme 2023. Collection method: clinical testing. Allele origin: germline.

Labcorp Genetics (formerly Invitae), Labcorp
Classification: Uncertain significance. Last evaluated: 2022-08-31. Review status: criteria provided, single submitter. Criteria: Invitae Variant Classification Sherloc (09022015). Collection method: clinical testing. Allele origin: germline.
Comment: This sequence change replaces proline, which is neutral and non-polar, with leucine, which is neutral and non-polar, at codon 412 of the TONSL protein (p.Pro412Leu). This variant is present in population databases (rs777939614, gnomAD 0.007%). This variant has not been reported in the literature in individuals affected with TONSL-related conditions. ClinVar contains an entry for this variant (Variation ID: 1522529). Algorithms developed to predict the effect of missense changes on protein structure and function output the following: SIFT: "Tolerated"; PolyPhen-2: "Benign"; Align-GVGD: "Class C15". The leucine amino acid residue is found in multiple mammalian species, which suggests that this missense change does not adversely affect protein function. In summary, the available evidence is currently insufficient to determine the role of this variant in disease. Therefore, it has been classified as a Variant of Uncertain Significance.